The following is an entry in ClinVar:

NM_080916.3(DGUOK):c.554C>T (p.Thr185Ile)

Gene: DGUOK (deoxyguanosine kinase; plus strand). Cytogenetic location: 2p13.1.
Variant type: single nucleotide variant.
Coding change: c.554C>T on transcript NM_080916.3 (MANE Select); coding-DNA position 554, C replaced by T.
Protein change: p.Thr185Ile; replaces threonine 185 with isoleucine.
Molecular consequence: missense variant. On other transcripts: non-coding transcript variant (2), intron variant (2).
Genome position (GRCh38, 1-based): chr2:73,950,695, C>T. VCF-style: chr2-73950695-C-T. GRCh37 (hg19) VCF-style: chr2-74177822-C-T.
Other names: c.263C>T, p.Thr88Ile (NM_001318860.2, NM_001318861.2); c.245C>T, p.Thr82Ile (NM_001318862.2, NM_001318863.2); c.443+3789C>T (NM_080918.3); c.425+3807C>T (NM_001318859.2); short protein forms T185I, T82I, T88I.
Identifiers: ClinVar variation 2629364 (VCV002629364.1), dbSNP rs924895995, ClinGen allele CA50408258.

ClinVar aggregate classification (germline): Uncertain significance (1 of 4 stars; one submission).

Conditions:
DGUOK-related disorder. Also called: DGUOK-related condition.

Allele frequency attached by ClinVar (database versions not stated): gnomAD exomes below 0.00001; gnomAD 0.00001; TOPMed 0.00001.
gnomAD v4.1: 4 of 1,614,092 alleles (0.00025%); highest among the groups gnomAD compares: Non-Finnish European, 0.00025%; no homozygotes.

Submission:

PreventionGenetics, part of Exact Sciences
Classification: Uncertain significance for DGUOK-related condition. Last evaluated: 2022-12-09. Review status: criteria provided, single submitter. Criteria: ACMG Guidelines, 2015. Collection method: clinical testing. Allele origin: germline.
Comment: The DGUOK c.554C>T variant is predicted to result in the amino acid substitution p.Thr185Ile. To our knowledge, this variant has not been reported in the literature or in a large population database, indicating this variant is rare. At this time, the clinical significance of this variant is uncertain due to the absence of conclusive functional and genetic evidence.